The following is an entry in ClinVar:

NM_003982.4(SLC7A7):c.821A>G (p.Tyr274Cys)

Gene: SLC7A7 (solute carrier family 7 member 7; minus strand). Cytogenetic location: 14q11.2.
Variant type: single nucleotide variant.
Coding change: c.821A>G on transcript NM_003982.4 (MANE Select); coding-DNA position 821, A replaced by G.
Protein change: p.Tyr274Cys; replaces tyrosine 274 with cysteine.
Molecular consequence: missense variant.
Genome position (GRCh38, 1-based): chr14:22,776,268, T>C on the plus strand (A>G on the coding strand, the complement: SLC7A7 is on the minus strand). VCF-style: chr14-22776268-T-C. GRCh37 (hg19) VCF-style: chr14-23245477-T-C.
Other names: p.Tyr274Cys; c.821A>G, p.Tyr274Cys (NM_001126105.3, NM_001126106.4); short protein forms Y274C.
Identifiers: ClinVar variation 3576513 (VCV003576513.2).

ClinVar aggregate classification (germline): Uncertain significance. Review status: criteria provided, multiple submitters, no conflicts (2 of 4 stars). 2 submissions from 2 submitters: Uncertain significance (2). Last evaluated 2025-10-09.

Conditions:
Lysinuric protein intolerance (LPI). Identifiers: Orphanet 470, MedGen C0268647, MONDO:0009109, OMIM 222700.

gnomAD v4.1: 9 of 1,614,086 alleles (0.00056%); highest among the groups gnomAD compares: African/African-American, 0.008%; no homozygotes.

Submissions (2):

Mayo Clinic Laboratories, Mayo Clinic
Classification: Uncertain significance. Last evaluated: 2025-10-09. Review status: criteria provided, single submitter. Criteria: ACMG Guidelines, 2015. Collection method: clinical testing. Allele origin: germline. Observed: 1 variant allele.
Comment: PP3_strong, PM2_supporting

Fulgent Genetics
Classification: Uncertain significance for Lysinuric protein intolerance. Last evaluated: 2024-05-11. Review status: criteria provided, single submitter. Criteria: ACMG Guidelines, 2015. Collection method: clinical testing. Allele origin: germline.